The following is an entry in ClinVar:

NM_004565.3(PEX14):c.330C>T (p.Gly110=)

Gene: PEX14 (peroxisomal biogenesis factor 14; plus strand). Cytogenetic location: 1p36.22.
Variant type: single nucleotide variant.
Coding change: c.330C>T on transcript NM_004565.3 (MANE Select); coding-DNA position 330, C replaced by T.
Protein change: p.Gly110=; no amino-acid change (glycine 110 retained).
Molecular consequence: synonymous variant.
Genome position (GRCh38, 1-based): chr1:10,618,363, C>T. VCF-style: chr1-10618363-C-T. GRCh37 (hg19) VCF-style: chr1-10678420-C-T.
Other names: c.330C>T (NM_004565.2).
Identifiers: ClinVar variation 595671 (VCV000595671.14), dbSNP rs772527603, ClinGen allele CA583805.

ClinVar aggregate classification (germline): Conflicting classifications of pathogenicity. Review status: criteria provided, conflicting classifications (1 of 4 stars). 3 submissions from 3 submitters: Uncertain significance (1); Likely benign (1). 1 of the submissions does not count toward it. Last evaluated 2025-12-31.

Conditions:
PEX14-related disorder. Also called: PEX14-related condition.
Peroxisome biogenesis disorder, complementation group K (CGK). Identifiers: MedGen C1866257, MONDO:0800365.

Allele frequency attached by ClinVar (database versions not stated): gnomAD exomes 0.00001; ExAC 0.00002; TOPMed 0.00002; gnomAD 0.00003 and 0.00004.
gnomAD v4.1: 20 of 1,613,790 alleles (0.0012%); highest among the groups gnomAD compares: Middle Eastern, 0.016%; no homozygotes.

Submissions (3):

Labcorp Genetics (formerly Invitae), Labcorp
Classification: Likely benign for Peroxisome biogenesis disorder, complementation group K. Last evaluated: 2025-12-31. Review status: criteria provided, single submitter. Criteria: Invitae Variant Classification Sherloc (09022015). Collection method: clinical testing. Allele origin: germline.

Eurofins Ntd Llc (ga)
Classification: Uncertain significance. Last evaluated: 2018-01-09. Review status: criteria provided, single submitter. Criteria: EGL Classification Definitions 2015. Collection method: clinical testing. Allele origin: germline. Observed: 1 variant allele, 1 heterozygote.

PreventionGenetics, part of Exact Sciences
Classification: Likely benign for PEX14-related condition. Last evaluated: 2021-06-28. Review status: no assertion criteria provided. Collection method: clinical testing. Allele origin: germline. Not counted in ClinVar's aggregate classification.
Comment: This variant is classified as likely benign based on ACMG/AMP sequence variant interpretation guidelines (Richards et al. 2015 PMID: 25741868, with internal and published modifications).